The following is an entry in ClinVar:

ClinVar aggregate classification (germline): Likely benign (1 of 4 stars; one submission).

Allele frequency attached by ClinVar (database versions not stated): 1000 Genomes Project 0.00160; 1000 Genomes Project 30x 0.00172; ESP Exome Variant Server 0.00361.
gnomAD v4.1: 7,657 of 1,606,916 alleles (0.48%); highest among the groups gnomAD compares: Middle Eastern, 0.95%; 30 homozygotes.

Submission:

CeGaT Center for Human Genetics Tuebingen
Classification: Likely benign. Last evaluated: 2026-07-01. Review status: criteria provided, single submitter. Criteria: CeGaT Center For Human Genetics Tuebingen Variant Classification Criteria Version 2. Collection method: clinical testing. Allele origin: germline. Affected: yes. Observed: 4 variant alleles.
Comment: FIP1L1: BP4, BS2

NM_030917.4(FIP1L1):c.1500-8A>C

Gene: FIP1L1 (factor interacting with PAPOLA and CPSF1; plus strand). Cytogenetic location: 4q12.
Variant type: single nucleotide variant.
Coding change: c.1500-8A>C on transcript NM_030917.4 (MANE Select); 8 bases into the intron before coding-DNA position 1500, A replaced by C.
Molecular consequence: intron variant.
Genome position (GRCh38, 1-based): chr4:53,458,645, A>C. VCF-style: chr4-53458645-A-C. GRCh37 (hg19) VCF-style: chr4-54324812-A-C.
Other names: c.1374-8A>C (NM_001376769.1); c.1347-8A>C (NM_001376773.1); c.1422-8A>C (NM_001376758.1); c.1413-8A>C (NM_001376760.1, NM_001376761.1); c.1386-8A>C (NM_001376767.1); c.1343-8A>C (NM_001376757.1); c.1314-8A>C (NM_001376778.1); c.1305-8A>C (NM_001376779.1); and 33 more.
Identifiers: ClinVar variation 2654756 (VCV002654756.24), dbSNP rs191202834, ClinGen allele CA2920928.
Genomic context (GRCh38, chr4:53,458,645, plus strand): 5'-TTTACAGTTTGAATCCATTCAGAATTAATGGTCCAGTTGTCAAGAAAACATTTCTATTTC[A>C]ATTTCAGCGATGAAGAACGATACAGATACAGGGAATATGCAGAAAGAGGTTATGAGCGTC-3'